The following is an entry in ClinVar:

ClinVar aggregate classification (germline): Uncertain significance. Review status: criteria provided, multiple submitters, no conflicts (2 of 4 stars). 2 submissions from 2 submitters: Uncertain significance (2). Last evaluated 2026-02-05.

Conditions:
EHHADH-related disorder. Also called: EHHADH-related condition.

Allele frequency attached by ClinVar (database versions not stated): ExAC 0.00002; gnomAD exomes 0.00002; gnomAD 0.00006; TOPMed 0.00012.
gnomAD v4.1: 33 of 1,614,094 alleles (0.002%); highest among the groups gnomAD compares: Admixed American, 0.037%; no homozygotes.

Submissions (2):

PreventionGenetics, part of Exact Sciences
Classification: Uncertain significance for EHHADH-related condition. Last evaluated: 2026-02-05. Review status: criteria provided, single submitter. Criteria: ACMG Guidelines, 2015. Collection method: clinical testing. Allele origin: germline.
Comment: The EHHADH c.1879C>T variant is predicted to result in the amino acid substitution p.Leu627Phe. To our knowledge, this variant has not been reported in the literature. This variant is reported in 0.038% of alleles in individuals of Latino descent in gnomAD. At this time, the clinical significance of this variant is uncertain due to the absence of conclusive functional and genetic evidence.

Ambry Genetics
Classification: Uncertain significance. Last evaluated: 2023-12-27. Review status: criteria provided, single submitter. Criteria: Ambry Variant Classification Scheme 2023. Collection method: clinical testing. Allele origin: germline.

NM_001966.4(EHHADH):c.1879C>T (p.Leu627Phe)

Gene: EHHADH (enoyl-CoA hydratase and 3-hydroxyacyl CoA dehydrogenase; minus strand). Cytogenetic location: 3q27.2.
Variant type: single nucleotide variant.
Coding change: c.1879C>T on transcript NM_001966.4 (MANE Select); coding-DNA position 1879, C replaced by T.
Protein change: p.Leu627Phe; replaces leucine 627 with phenylalanine.
Molecular consequence: missense variant.
Genome position (GRCh38, 1-based): chr3:185,192,519, G>A on the plus strand (C>T on the coding strand, the complement: EHHADH is on the minus strand). VCF-style: chr3-185192519-G-A. GRCh37 (hg19) VCF-style: chr3-184910307-G-A.
Other names: c.1591C>T, p.Leu531Phe (NM_001166415.2); short protein forms L531F, L627F.
Identifiers: ClinVar variation 3087795 (VCV003087795.2), dbSNP rs755706394, ClinGen allele CA2738900.
Genomic context (GRCh38, chr3:185,192,519, plus strand): 5'-CAATGTGCTCTGGGCTAGCAGCTATCCCTTCTCCCAAGATACGGAATGCTTCATTGATAA[G>A]TGAATATAAGCAGCGTTCAAGGATCTCATCCTGGCTAATGGTACGTGGTTCAATGTGATG-3'
Protein context (NP_001957.2, residues 617-637): DEILERCLYS[Leu627Phe]INEAFRILGE